The following is an entry in ClinVar:

ClinVar aggregate classification (germline): Uncertain significance (0 of 4 stars; one submission).

Conditions:
ADAMTSL2-related disorder. Also called: ADAMTSL2-related condition.

Submission:

PreventionGenetics, part of Exact Sciences
Classification: Uncertain significance for ADAMTSL2-related condition. Last evaluated: 2024-09-13. Review status: no assertion criteria provided. Collection method: clinical testing. Allele origin: germline.
Comment: The ADAMTSL2 c.199G>A variant is predicted to result in the amino acid substitution p.Val67Met. To our knowledge, this variant has not been reported in the literature or in a large population database, indicating this variant is rare. At this time, the clinical significance of this variant is uncertain due to the absence of conclusive functional and genetic evidence.

NM_014694.4(ADAMTSL2):c.199G>A (p.Val67Met)

Gene: ADAMTSL2 (ADAMTS like 2; plus strand). Cytogenetic location: 9q34.2.
Variant type: single nucleotide variant.
Coding change: c.199G>A on transcript NM_014694.4 (MANE Select); coding-DNA position 199, G replaced by A.
Protein change: p.Val67Met; replaces valine 67 with methionine.
Molecular consequence: missense variant.
Genome position (GRCh38, 1-based): chr9:133,537,513, G>A. VCF-style: chr9-133537513-G-A. GRCh37 (hg19) VCF-style: chr9-136402635-G-A.
Other names: c.199G>A, p.Val67Met (NM_001145320.2); short protein forms V67M.
Identifiers: ClinVar variation 3354829 (VCV003354829.1).